The following is an entry in ClinVar:

NM_004369.4(COL6A3):c.5752C>T (p.Arg1918Cys)

Gene: COL6A3 (collagen type VI alpha 3 chain; minus strand). Cytogenetic location: 2q37.3.
Variant type: single nucleotide variant.
Coding change: c.5752C>T on transcript NM_004369.4 (MANE Select); coding-DNA position 5752, C replaced by T.
Protein change: p.Arg1918Cys; replaces arginine 1918 with cysteine.
Molecular consequence: missense variant.
Genome position (GRCh38, 1-based): chr2:237,365,784, G>A on the plus strand (C>T on the coding strand, the complement: COL6A3 is on the minus strand). VCF-style: chr2-237365784-G-A. GRCh37 (hg19) VCF-style: chr2-238274427-G-A.
Other names: c.3931C>T, p.Arg1311Cys (NM_057166.5); c.5134C>T, p.Arg1712Cys (NM_057167.4); short protein forms R1918C, R1311C, R1712C.
Identifiers: ClinVar variation 2752614 (VCV002752614.3), dbSNP rs750367811, ClinGen allele CA2188586.
Genomic context (GRCh38, chr2:237,365,784, plus strand): 5'-TGAACTTGTTCAGGTAGACCTTCAGGGTGTCCTCCGTGAGGACGTAGGGGTGCTGGCTGC[G>A]CATGTTCCGGAACTTCTCGAGCATCTCTGGCTGGTACTCGTCAAAGTCAAAGGCCTCCAC-3'
Protein context (NP_004360.2, residues 1908-1928): PEMLEKFRNM[Arg1918Cys]SQHPYVLTED

ClinVar aggregate classification (germline): Uncertain significance (1 of 4 stars; one submission).

Conditions:
Bethlem myopathy 1A. Also called: Bethlem myopathy 1; Bethlem Muscular Dystrophy; MYOPATHY, BENIGN CONGENITAL, WITH CONTRACTURES. Identifiers: Orphanet 610, MedGen CN029274, MONDO:0024530, OMIM 158810.

Allele frequency attached by ClinVar (database versions not stated): ExAC 0.00002.
gnomAD v4.1: 35 of 1,614,088 alleles (0.0022%); highest among the groups gnomAD compares: Non-Finnish European, 0.0025%; no homozygotes.

Submission:

Labcorp Genetics (formerly Invitae), Labcorp
Classification: Uncertain significance for Bethlem myopathy 1A. Last evaluated: 2025-01-29. Review status: criteria provided, single submitter. Criteria: Invitae Variant Classification Sherloc (09022015). Collection method: clinical testing. Allele origin: germline.
Comment: This sequence change replaces arginine, which is basic and polar, with cysteine, which is neutral and slightly polar, at codon 1918 of the COL6A3 protein (p.Arg1918Cys). This variant is present in population databases (rs750367811, gnomAD 0.004%). This variant has not been reported in the literature in individuals affected with COL6A3-related conditions. ClinVar contains an entry for this variant (Variation ID: 2752614). Invitae Evidence Modeling of protein sequence and biophysical properties (such as structural, functional, and spatial information, amino acid conservation, physicochemical variation, residue mobility, and thermodynamic stability) indicates that this missense variant is not expected to disrupt COL6A3 protein function with a negative predictive value of 80%. In summary, the available evidence is currently insufficient to determine the role of this variant in disease. Therefore, it has been classified as a Variant of Uncertain Significance.